The following is an entry in ClinVar:

NM_001184880.2(PCDH19):c.2837T>C (p.Met946Thr)

Gene: PCDH19 (protocadherin 19; minus strand). Cytogenetic location: Xq22.1.
Variant type: single nucleotide variant.
Coding change: c.2837T>C on transcript NM_001184880.2 (MANE Select); coding-DNA position 2837, T replaced by C.
Protein change: p.Met946Thr; replaces methionine 946 with threonine.
Molecular consequence: missense variant.
Genome position (GRCh38, 1-based): chrX:100,341,914, A>G on the plus strand (T>C on the coding strand, the complement: PCDH19 is on the minus strand). VCF-style: chrX-100341914-A-G. GRCh37 (hg19) VCF-style: chrX-99596912-A-G.
Other names: c.2696T>C, p.Met899Thr (NM_001105243.2); c.2693T>C, p.Met898Thr (NM_020766.3); short protein forms M898T, M899T, M946T.
Identifiers: ClinVar variation 2428221 (VCV002428221.8), dbSNP rs1167919280, ClinGen allele CA413999743.

ClinVar aggregate classification (germline): Uncertain significance (1 of 4 stars; one submission).

Conditions:
Developmental and epileptic encephalopathy, 9 (DEE9). Also called: Early infantile epileptic encephalopathy 9; JUBERG-HELLMAN SYNDROME; PCDH19-Related X-Linked Female-Limited Epilepsy with Mental Retardation; EPILEPSY, FEMALE-RESTRICTED, WITH MENTAL RETARDATION. Identifiers: Orphanet 101039, Orphanet 2076, MedGen C1848137, MONDO:0010246, OMIM 300088. Disease mechanism: loss of function.

Allele frequency attached by ClinVar (database versions not stated): gnomAD 0.00003; TOPMed 0.00001; gnomAD exomes 0.00002.
gnomAD v4.1: 21 of 1,208,479 alleles (0.0017%); highest among the groups gnomAD compares: Non-Finnish European, 0.0023%; no homozygotes.

Submission:

Labcorp Genetics (formerly Invitae), Labcorp
Classification: Uncertain significance for Developmental and epileptic encephalopathy, 9. Last evaluated: 2023-11-02. Review status: criteria provided, single submitter. Criteria: Invitae Variant Classification Sherloc (09022015). Collection method: clinical testing. Allele origin: germline.
Comment: This sequence change replaces methionine, which is neutral and non-polar, with threonine, which is neutral and polar, at codon 946 of the PCDH19 protein (p.Met946Thr). This variant is present in population databases (no rsID available, gnomAD 0.002%). This variant has not been reported in the literature in individuals affected with PCDH19-related conditions. ClinVar contains an entry for this variant (Variation ID: 2428221). Advanced modeling of protein sequence and biophysical properties (such as structural, functional, and spatial information, amino acid conservation, physicochemical variation, residue mobility, and thermodynamic stability) performed at Invitae indicates that this missense variant is not expected to disrupt PCDH19 protein function with a negative predictive value of 95%. In summary, the available evidence is currently insufficient to determine the role of this variant in disease. Therefore, it has been classified as a Variant of Uncertain Significance.